The following is an entry in ClinVar:

NM_000127.3(EXT1):c.1779C>T (p.Pro593=)

Gene: EXT1 (exostosin glycosyltransferase 1; minus strand). Cytogenetic location: 8q24.11.
Variant type: single nucleotide variant.
Coding change: c.1779C>T on transcript NM_000127.3 (MANE Select); coding-DNA position 1779, C replaced by T.
Protein change: p.Pro593=; no amino-acid change (proline 593 retained).
Molecular consequence: synonymous variant.
Genome position (GRCh38, 1-based): chr8:117,807,321, G>A on the plus strand (C>T on the coding strand, the complement: EXT1 is on the minus strand). VCF-style: chr8-117807321-G-A. GRCh37 (hg19) VCF-style: chr8-118819560-G-A.
Identifiers: ClinVar variation 361655 (VCV000361655.17), dbSNP rs143881630, ClinGen allele CA4854014.

ClinVar aggregate classification (germline): Benign/Likely benign. Review status: criteria provided, multiple submitters, no conflicts (2 of 4 stars). 4 submissions from 4 submitters: Benign (1); Likely benign (3). Last evaluated 2026-01-11.

Conditions:
Exostoses, multiple, type 1 (EXT1). Also called: EXOSTOSES, MULTIPLE, TYPE I; Hereditary Multiple Osteochondromatosis, Type I. Identifiers: MedGen CN263289, MONDO:0007585, OMIM 133700.
Multiple congenital exostosis (EXT). Also called: MULTIPLE CARTILAGINOUS EXOSTOSES; Multiple exostoses; Hereditary multiple osteochondromas; Hereditary multiple exostoses; Hereditary multiple exostosis; Multiple osteochondromas. Identifiers: Orphanet 321, MedGen C0015306, MONDO:0005508, HP:0002762.

Allele frequency attached by ClinVar (database versions not stated): 1000 Genomes Project 30x 0.00031; 1000 Genomes Project 0.00040; ExAC 0.00047; gnomAD exomes 0.00047; gnomAD 0.00055 and 0.00056; TOPMed 0.00059; ESP Exome Variant Server 0.00062.
gnomAD v4.1: 1,143 of 1,614,164 alleles (0.071%); highest among the groups gnomAD compares: South Asian, 0.12%; 2 homozygotes.

Submissions (4):

Labcorp Genetics (formerly Invitae), Labcorp
Classification: Likely benign for Multiple congenital exostosis. Last evaluated: 2026-01-11. Review status: criteria provided, single submitter. Criteria: Invitae Variant Classification Sherloc (09022015). Collection method: clinical testing. Allele origin: germline.

Blueprint Genetics
Classification: Likely benign. Last evaluated: 2024-10-24. Review status: criteria provided, single submitter. Criteria: ACMG Guidelines, 2015. Collection method: clinical testing. Allele origin: germline.

KCCC/NGS Laboratory, Kuwait Cancer Control Center
Classification: Likely benign for Exostoses, multiple, type 1. Last evaluated: 2023-07-07. Review status: criteria provided, single submitter. Criteria: ACMG Guidelines, 2015. Collection method: clinical testing. Allele origin: germline. Affected: yes.

Illumina Laboratory Services, Illumina
Classification: Benign for Exostoses, multiple, type 1. Last evaluated: 2018-01-13. Review status: criteria provided, single submitter. Criteria: ICSL Variant Classification Criteria 13 December 2019. Collection method: clinical testing. Allele origin: germline.
Comment: This variant was observed in the ICSL laboratory as part of a predisposition screen in an ostensibly healthy population. It had not been previously curated by ICSL or reported in the Human Gene Mutation Database (HGMD: prior to June 1st, 2018), and was therefore a candidate for classification through an automated scoring system. Utilizing variant allele frequency, disease prevalence and penetrance estimates, and inheritance mode, an automated score was calculated to assess if this variant is too frequent to cause the disease. Based on the score and internal cut-off values, a variant classified as benign is not then subjected to further curation. The score for this variant resulted in a classification of benign for this disease.